The following is an entry in ClinVar:

NM_014008.5(CCDC22):c.1171G>A (p.Glu391Lys)

Gene: CCDC22 (CCC complex scaffolding subunit CCDC22; plus strand). Cytogenetic location: Xp11.23.
Variant type: single nucleotide variant.
Coding change: c.1171G>A on transcript NM_014008.5 (MANE Select); coding-DNA position 1171, G replaced by A.
Protein change: p.Glu391Lys; replaces glutamic acid 391 with lysine.
Molecular consequence: missense variant.
Genome position (GRCh38, 1-based): chrX:49,248,269, G>A. VCF-style: chrX-49248269-G-A. GRCh37 (hg19) VCF-style: chrX-49104730-G-A.
Other names: NC_000023.10:g.49104730G>A; short protein forms E391K.
Identifiers: ClinVar variation 3139051 (VCV003139051.21), dbSNP rs145220151, ClinGen allele CA10411429.

ClinVar aggregate classification (germline): Conflicting classifications of pathogenicity. Review status: criteria provided, conflicting classifications (1 of 4 stars). 2 submissions from 2 submitters: Uncertain significance (1); Likely benign (1). Last evaluated 2025-11-20.

gnomAD v4.1: 86 of 1,202,362 alleles (0.0072%); highest among the groups gnomAD compares: Non-Finnish European, 0.0047%; no homozygotes.

Submissions (3):

Ambry Genetics
Classification: Uncertain significance. Last evaluated: 2025-11-20. Review status: criteria provided, single submitter. Criteria: Ambry Variant Classification Scheme 2023. Collection method: clinical testing. Allele origin: germline.

CeGaT Center for Human Genetics Tuebingen
Classification: Likely benign. Last evaluated: 2024-05-01. Review status: criteria provided, single submitter. Criteria: CeGaT Center For Human Genetics Tuebingen Variant Classification Criteria Version 2. Collection method: clinical testing. Allele origin: germline. Affected: yes. Observed: 1 variant allele.
Comment: CCDC22: BS2

Dr. Peter K. Rogan Lab, Western University
No classification provided (evidence only). Condition: Gastric cancer. Review status: no classification provided. Collection method: in vitro. Allele origin: not applicable. Functional consequence: retained intron. Not counted in ClinVar's aggregate classification.